The following is an entry in ClinVar:

NM_001366145.2(TRPM3):c.2884C>T (p.Leu962Phe)

Gene: TRPM3 (transient receptor potential cation channel subfamily M member 3; minus strand). Cytogenetic location: 9q21.12.
Variant type: single nucleotide variant.
Coding change: c.2884C>T on transcript NM_001366145.2 (MANE Select); coding-DNA position 2884, C replaced by T.
Protein change: p.Leu962Phe; replaces leucine 962 with phenylalanine.
Molecular consequence: missense variant.
Genome position (GRCh38, 1-based): chr9:70,598,583, G>A on the plus strand (C>T on the coding strand, the complement: TRPM3 is on the minus strand). VCF-style: chr9-70598583-G-A. GRCh37 (hg19) VCF-style: chr9-73213499-G-A.
Other names: c.2848C>T, p.Leu950Phe (NM_001007471.4, NM_001366151.2); c.2854C>T, p.Leu952Phe (NM_001366141.2, NM_001366143.2, NM_001366149.2); c.2890C>T, p.Leu964Phe (NM_001366142.2); c.2884C>T, p.Leu962Phe (NM_001366146.2); c.2959C>T, p.Leu987Phe (NM_001366147.2, NM_001366152.2); c.2929C>T, p.Leu977Phe (NM_001366148.2); c.2818C>T, p.Leu940Phe (NM_001366150.2); c.2425C>T, p.Leu809Phe (NM_001366154.2, NM_024971.7); and 5 more; short protein forms L787F, L797F, L799F, L809F, L812F, L822F, L940F, L950F.
Identifiers: ClinVar variation 3360716 (VCV003360716.2).

ClinVar aggregate classification (germline): Uncertain significance (1 of 4 stars; one submission).

Submission:

GeneDx
Classification: Uncertain significance. Last evaluated: 2026-07-23. Review status: criteria provided, single submitter. Criteria: GeneDx Variant Classification Process June 2021. Collection method: clinical testing. Allele origin: germline.
Comment: Not observed at significant frequency in large population cohorts (gnomAD); In silico analysis suggests that this missense variant does not alter protein structure/function; Has not been previously published as pathogenic or benign to our knowledge